The following is an entry in ClinVar:

ClinVar aggregate classification (germline): Uncertain significance. Review status: criteria provided, multiple submitters, no conflicts (2 of 4 stars). 5 submissions from 5 submitters: Uncertain significance (5). Last evaluated 2024-09-25.

Conditions:
Pfeiffer syndrome (ACS5). Also called: ACS V. Identifiers: Orphanet 710, MedGen C0220658, MONDO:0007043, OMIM 101600.
Hypogonadotropic hypogonadism 2 with or without anosmia (HH2). Also called: HYPOGONADOTROPIC HYPOGONADISM 2 WITHOUT ANOSMIA; HYPOGONADOTROPIC HYPOGONADISM 2 WITH OR WITHOUT ANOSMIA, SUSCEPTIBILITY TO; HYPOGONADOTROPIC HYPOGONADISM 2 WITHOUT ANOSMIA, SUSCEPTIBILITY TO; FGFR1-Related GnRH Deficiency (Kallmann Syndrome 2). Identifiers: Orphanet 478, MedGen C1563720, MONDO:0007844, OMIM 147950. Disease mechanism: loss of function.
Jackson-Weiss syndrome (JWS). Also called: CRANIOSYNOSTOSIS, MIDFACIAL HYPOPLASIA, AND FOOT ABNORMALITIES. Identifiers: Orphanet 1540, MedGen C0795998, MONDO:0007400, OMIM 123150. Disease mechanism: loss of function.
Osteoglophonic dysplasia (OGD). Also called: Osteoglophonic dwarfism. Identifiers: Orphanet 2645, MedGen C0432283, MONDO:0008150, OMIM 166250.
Hartsfield-Bixler-Demyer syndrome (HRTFDS). Also called: Hartsfield syndrome; Holoprosencephaly, ectrodactyly, and bilateral cleft lip/palate; FGFR1-Related Hartsfield Syndrome. Identifiers: Orphanet 2117, MedGen C1845146, MONDO:0014196, OMIM 615465. Disease mechanism: loss of function.
Trigonocephaly 1 (TRIGNO1). Identifiers: Orphanet 3366, MedGen C0432122, MONDO:0008603, OMIM 190440.
Encephalocraniocutaneous lipomatosis (ECCL). Identifiers: Orphanet 2396, MedGen C0406612, MONDO:0013074, OMIM 613001.

Allele frequency attached by ClinVar (database versions not stated): gnomAD exomes below 0.00001; gnomAD 0.00001; TOPMed 0.00001.
gnomAD v4.1: 6 of 1,613,924 alleles (0.00037%); highest among the groups gnomAD compares: South Asian, 0.0022%; no homozygotes.

Submissions (5):

Labcorp Genetics (formerly Invitae), Labcorp
Classification: Uncertain significance for Pfeiffer syndrome; Hypogonadotropic hypogonadism 2 with or without anosmia. Last evaluated: 2024-09-25. Review status: criteria provided, single submitter. Criteria: Invitae Variant Classification Sherloc (09022015). Collection method: clinical testing. Allele origin: germline.
Comment: This sequence change replaces aspartic acid, which is acidic and polar, with asparagine, which is neutral and polar, at codon 60 of the FGFR1 protein (p.Asp60Asn). This variant is not present in population databases (gnomAD no frequency). This variant has not been reported in the literature in individuals affected with FGFR1-related conditions. ClinVar contains an entry for this variant (Variation ID: 1254610). Invitae Evidence Modeling of protein sequence and biophysical properties (such as structural, functional, and spatial information, amino acid conservation, physicochemical variation, residue mobility, and thermodynamic stability) has been performed for this missense variant. However, the output from this modeling did not meet the statistical confidence thresholds required to predict the impact of this variant on FGFR1 protein function. In summary, the available evidence is currently insufficient to determine the role of this variant in disease. Therefore, it has been classified as a Variant of Uncertain Significance.

Fulgent Genetics
Classification: Uncertain significance for Pfeiffer syndrome; Jackson-Weiss syndrome; Hypogonadotropic hypogonadism 2 with or without anosmia; Osteoglophonic dysplasia; Trigonocephaly 1; Encephalocraniocutaneous lipomatosis; Hartsfield-Bixler-Demyer syndrome. Last evaluated: 2024-03-22. Review status: criteria provided, single submitter. Criteria: ACMG Guidelines, 2015. Collection method: clinical testing. Allele origin: germline.

Women's Health and Genetics/Laboratory Corporation of America, LabCorp
Classification: Uncertain significance. Last evaluated: 2023-10-20. Review status: criteria provided, single submitter. Criteria: LabCorp Variant Classification Summary - May 2015. Collection method: clinical testing. Allele origin: germline.
Comment: Variant summary: FGFR1 c.178G>A (p.Asp60Asn) results in a conservative amino acid change located in the Immunoglobulin subtype 2 (IPR003598) of the encoded protein sequence. Four of five in-silico tools predict a benign effect of the variant on protein function. The variant was absent in 250178 control chromosomes. The available data on variant occurrences in the general population are insufficient to allow any conclusion about variant significance. To our knowledge, no occurrence of c.178G>A in individuals affected with FGFR1-Related Disorders and no experimental evidence demonstrating its impact on protein function have been reported. Two submitters have cited clinical-significance assessments for this variant to ClinVar after 2014. Both submitters classified the variant as uncertain significance. Based on the evidence outlined above, the variant was classified as uncertain significance.

GeneDx
Classification: Uncertain significance. Last evaluated: 2021-08-03. Review status: criteria provided, single submitter. Criteria: GeneDx Variant Classification Process June 2021. Collection method: clinical testing. Allele origin: germline. Affected: yes.
Comment: Not observed in large population cohorts (Lek et al., 2016); In silico analysis, which includes protein predictors and evolutionary conservation, supports that this variant does not alter protein structure/function; Has not been previously published as pathogenic or benign to our knowledge

Revvity Omics, Revvity
Classification: Uncertain significance. Last evaluated: 2019-05-01. Review status: criteria provided, single submitter. Criteria: ACMG Guidelines, 2015. Collection method: clinical testing. Allele origin: germline.

NM_023110.3(FGFR1):c.178G>A (p.Asp60Asn)

Gene: FGFR1 (fibroblast growth factor receptor 1; minus strand). Cytogenetic location: 8p11.23.
Variant type: single nucleotide variant.
Coding change: c.178G>A on transcript NM_023110.3 (MANE Select); coding-DNA position 178, G replaced by A.
Protein change: p.Asp60Asn; replaces aspartic acid 60 with asparagine.
Molecular consequence: missense variant. On other transcripts: intron variant (5).
Genome position (GRCh38, 1-based): chr8:38,429,862, C>T on the plus strand (G>A on the coding strand, the complement: FGFR1 is on the minus strand). VCF-style: chr8-38429862-C-T. GRCh37 (hg19) VCF-style: chr8-38287380-C-T.
Other names: c.178G>A, p.Asp60Asn (NM_001174063.2, NM_001174065.2, NM_001354367.2 and 2 more transcripts); c.154G>A, p.Asp52Asn (NM_001174064.2); c.277G>A, p.Asp93Asn (NM_001174067.2); c.92-1427G>A (NM_001354368.2, NM_001354370.2, NM_023106.3 and 2 more transcripts); short protein forms D52N, D60N, D93N.
Identifiers: ClinVar variation 1254610 (VCV001254610.9), dbSNP rs1586379709, ClinGen allele CA370736496.